The following is an entry in ClinVar:

NM_021927.3(GUF1):c.1402_1403del (p.Glu468fs)

Gene: GUF1 (GTP binding elongation factor GUF1; plus strand). Cytogenetic location: 4p12.
Variant type: Deletion.
Coding change: c.1402_1403del on transcript NM_021927.3 (MANE Select); coding-DNA positions 1402 to 1403, 2 bases deleted (GA; older notation c.1402_1403delGA).
Protein change: p.Glu468fs; shifts the reading frame from glutamic acid 468.
Molecular consequence: frameshift variant.
Genome position (GRCh38, 1-based): chr4:44,690,783-44,690,784, GA deleted; deleting any 2 consecutive bases within chr4:44,690,782-44,690,784 gives the same sequence; the c. name uses the placement nearest the transcript's 3' end. VCF-style (leftmost placement, unchanged base first): chr4-44690781-CAG-C. GRCh37 (hg19) VCF-style: chr4-44692798-CAG-C.
Other names: c.430_431del, p.Glu144fs (NM_001345867.2, NM_001345869.2); c.1402_1403del, p.Glu468fs (NM_001345868.2); c.1402_1403delGA (NM_021927.3); short protein forms E468fs, E144fs.
Identifiers: ClinVar variation 1430218 (VCV001430218.7), dbSNP rs779579461, ClinGen allele CA2905635.

ClinVar aggregate classification (germline): Conflicting classifications of pathogenicity. Review status: criteria provided, conflicting classifications (1 of 4 stars). 2 submissions from 2 submitters: Likely pathogenic (1); Uncertain significance (1). Last evaluated 2025-12-03.

Conditions:
Developmental and epileptic encephalopathy, 40 (DEE40). Also called: Epileptic encephalopathy, early infantile, 40. Identifiers: Orphanet 3451, MedGen C4310737, MONDO:0014895, OMIM 617065.

Submissions (2):

Labcorp Genetics (formerly Invitae), Labcorp
Classification: Uncertain significance. Last evaluated: 2025-12-03. Review status: criteria provided, single submitter. Criteria: Invitae Variant Classification Sherloc (09022015). Collection method: clinical testing. Allele origin: germline.
Comment: This sequence change creates a premature translational stop signal (p.Glu468Ilefs*15) in the GUF1 gene. It is expected to result in an absent or disrupted protein product. However, the current clinical and genetic evidence is not sufficient to establish whether loss-of-function variants in GUF1 cause disease. This variant is present in population databases (rs779579461, gnomAD 0.1%), and has an allele count higher than expected for a pathogenic variant. This variant has not been reported in the literature in individuals affected with GUF1-related conditions. ClinVar contains an entry for this variant (Variation ID: 1430218). Algorithms developed to predict the effect of sequence changes on RNA splicing suggest that this variant may disrupt the consensus splice site. In summary, the available evidence is currently insufficient to determine the role of this variant in disease. Therefore, it has been classified as a Variant of Uncertain Significance.

First Genomix Gene Laboratory, Genetic Diagnostics Department
Classification: Likely pathogenic for Developmental and epileptic encephalopathy, 40. Last evaluated: 2025-03-24. Review status: criteria provided, single submitter. Criteria: ACMG Guidelines, 2015. Collection method: clinical testing. Allele origin: germline. Inheritance: Autosomal recessive inheritance. Affected: no. Observed: 1 variant allele.